The following is an entry in ClinVar:

ClinVar aggregate classification (germline): Uncertain significance (1 of 4 stars; one submission).

Conditions:
CACNA1D-related disorder.

Submission:

PreventionGenetics, part of Exact Sciences
Classification: Uncertain significance for CACNA1D-related condition. Last evaluated: 2023-05-26. Review status: criteria provided, single submitter. Criteria: ACMG Guidelines, 2015. Collection method: clinical testing. Allele origin: germline.
Comment: The CACNA1D c.4811C>G variant is predicted to result in the amino acid substitution p.Thr1604Ser. To our knowledge, this variant has not been reported in the literature or in a large population database, indicating this variant is rare. At this time, the clinical significance of this variant is uncertain due to the absence of conclusive functional and genetic evidence.

NM_001128840.3(CACNA1D):c.4751C>G (p.Thr1584Ser)

Gene: CACNA1D (calcium voltage-gated channel subunit alpha1 D; plus strand). Cytogenetic location: 3p21.1.
Variant type: single nucleotide variant.
Coding change: c.4751C>G on transcript NM_001128840.3 (MANE Select); coding-DNA position 4751, C replaced by G.
Protein change: p.Thr1584Ser; replaces threonine 1584 with serine.
Molecular consequence: missense variant.
Genome position (GRCh38, 1-based): chr3:53,781,626, C>G. VCF-style: chr3-53781626-C-G. GRCh37 (hg19) VCF-style: chr3-53815653-C-G.
Other names: c.4811C>G, p.Thr1604Ser (NM_000720.4); c.4706C>G, p.Thr1569Ser (NM_001128839.3); short protein forms T1569S, T1584S, T1604S.
Identifiers: ClinVar variation 2632688 (VCV002632688.1), dbSNP rs1363404977, ClinGen allele CA353246025.